The following is an entry in ClinVar:

ClinVar aggregate classification (germline): Benign/Likely benign. Review status: criteria provided, multiple submitters, no conflicts (2 of 4 stars). 5 submissions from 5 submitters: Benign (2); Likely benign (3). Last evaluated 2026-01-27.

Conditions:
Amelogenesis imperfecta type 1G (AI1G). Also called: Amelogenesis imperfecta hypoplastic type, IG; Amelogenesis imperfecta and nephrocalcinosis; AMELOGENESIS IMPERFECTA, TYPE IG; AMELOGENESIS IMPERFECTA, HYPOPLASTIC, AND NEPHROCALCINOSIS; Amelogenesis imperfecta nephrocalcinosis; Enamel renal syndrome. Identifiers: Orphanet 1031, Orphanet 171836, MedGen C2931783, MONDO:0008771, OMIM 204690. Disease mechanism: loss of function.

Allele frequency attached by ClinVar (database versions not stated): gnomAD exomes 0.00023 and 0.00061; ExAC 0.00073; gnomAD 0.00223 and 0.00235; ESP Exome Variant Server 0.00238; TOPMed 0.00260; 1000 Genomes Project 0.00359; 1000 Genomes Project 30x 0.00359.
gnomAD v4.1: 698 of 1,613,992 alleles (0.043%); highest among the groups gnomAD compares: African/African-American, 0.77%; 3 homozygotes.

Submissions (5):

Labcorp Genetics (formerly Invitae), Labcorp
Classification: Benign. Last evaluated: 2026-01-27. Review status: criteria provided, single submitter. Criteria: Invitae Variant Classification Sherloc (09022015). Collection method: clinical testing. Allele origin: germline.

CeGaT Center for Human Genetics Tuebingen
Classification: Likely benign. Last evaluated: 2025-12-01. Review status: criteria provided, single submitter. Criteria: CeGaT Center For Human Genetics Tuebingen Variant Classification Criteria Version 2. Collection method: clinical testing. Allele origin: germline. Affected: yes. Observed: 1 variant allele.
Comment: FAM20A: BP4, BP7

Mayo Clinic Laboratories, Mayo Clinic
Classification: Likely benign. Last evaluated: 2025-04-21. Review status: criteria provided, single submitter. Criteria: ACMG Guidelines, 2015. Collection method: clinical testing. Allele origin: germline. Observed: 1 variant allele.
Comment: BS1, BP4, BP7

Blueprint Genetics
Classification: Likely benign. Last evaluated: 2024-11-13. Review status: criteria provided, single submitter. Criteria: ACMG Guidelines, 2015. Collection method: clinical testing. Allele origin: germline.

Fulgent Genetics
Classification: Benign for Amelogenesis imperfecta type 1G. Last evaluated: 2021-08-16. Review status: criteria provided, single submitter. Criteria: ACMG Guidelines, 2015. Collection method: clinical testing. Allele origin: unknown.

NM_017565.4(FAM20A):c.444C>T (p.Ser148=)

Gene: FAM20A (FAM20A golgi associated secretory pathway pseudokinase; minus strand). Cytogenetic location: 17q24.2.
Variant type: single nucleotide variant.
Coding change: c.444C>T on transcript NM_017565.4 (MANE Select); coding-DNA position 444, C replaced by T.
Protein change: p.Ser148=; no amino-acid change (serine 148 retained).
Molecular consequence: synonymous variant. On other transcripts: non-coding transcript variant (1).
Genome position (GRCh38, 1-based): chr17:68,555,704, G>A on the plus strand (C>T on the coding strand, the complement: FAM20A is on the minus strand). VCF-style: chr17-68555704-G-A. GRCh37 (hg19) VCF-style: chr17-66551845-G-A.
Other names: p.Ser148=; c.30C>T, p.Ser10= (NM_001243746.2).
Identifiers: ClinVar variation 716464 (VCV000716464.17), dbSNP rs139743735, ClinGen allele CA8730070.
Genomic context (GRCh38, chr17:68,555,704, plus strand): 5'-AATACCCAGGTGGAACTGGACCCAGCTGGCCTCGAGTCGGAGCTGCAGTGGGGGGTCCAG[G>A]GAGGTAAGGTTCATCTGCTCTCTGTACATCTTGTGTCGCCTGAAAGAGCCAGATAGTTGT-3'
Protein context (NP_060035.2, residues 138-158): KMYREQMNLT[Ser148=]LDPPLQLRLE